The following is an entry in ClinVar:

NM_001081.4(CUBN):c.475C>A (p.Pro159Thr)

Gene: CUBN (cubilin; minus strand). Cytogenetic location: 10p13.
Variant type: single nucleotide variant.
Coding change: c.475C>A on transcript NM_001081.4 (MANE Select); coding-DNA position 475, C replaced by A.
Protein change: p.Pro159Thr; replaces proline 159 with threonine.
Molecular consequence: missense variant.
Genome position (GRCh38, 1-based): chr10:17,123,602, G>T on the plus strand (C>A on the coding strand, the complement: CUBN is on the minus strand). VCF-style: chr10-17123602-G-T. GRCh37 (hg19) VCF-style: chr10-17165601-G-T.
Other names: short protein forms P159T.
Identifiers: ClinVar variation 1716024 (VCV001716024.5), dbSNP rs796882685, ClinGen allele CA376168695.

ClinVar aggregate classification (germline): Uncertain significance (1 of 4 stars; one submission).

Conditions:
Imerslund-Grasbeck syndrome. Also called: ENTEROCYTE COBALAMIN MALABSORPTION; ENTEROCYTE INTRINSIC FACTOR RECEPTOR, DEFECT OF; Megaloblastic anemia due to inborn errors of metabolism; PERNICIOUS ANEMIA, JUVENILE, DUE TO SELECTIVE INTESTINAL MALABSORPTION OF VITAMIN B12, WITH PROTEINURIA; Imerslund-Gräsbeck syndrome. Identifiers: Orphanet 35858, MedGen C4551825, MONDO:0009853.

Allele frequency attached by ClinVar (database versions not stated): TOPMed below 0.00001.
gnomAD v4.1: 2 of 1,613,118 alleles (0.00012%); highest among the groups gnomAD compares: Non-Finnish European, 0.00017%; no homozygotes.

Submission:

Labcorp Genetics (formerly Invitae), Labcorp
Classification: Uncertain significance for Imerslund-Grasbeck syndrome. Last evaluated: 2022-07-16. Review status: criteria provided, single submitter. Criteria: Invitae Variant Classification Sherloc (09022015). Collection method: clinical testing. Allele origin: germline.
Comment: This sequence change replaces proline, which is neutral and non-polar, with threonine, which is neutral and polar, at codon 159 of the CUBN protein (p.Pro159Thr). This variant is not present in population databases (gnomAD no frequency). This variant has not been reported in the literature in individuals affected with CUBN-related conditions. Algorithms developed to predict the effect of missense changes on protein structure and function are either unavailable or do not agree on the potential impact of this missense change (SIFT: "Deleterious"; PolyPhen-2: "Possibly Damaging"; Align-GVGD: "Class C0"). In summary, the available evidence is currently insufficient to determine the role of this variant in disease. Therefore, it has been classified as a Variant of Uncertain Significance.